The following is an entry in ClinVar:

ClinVar aggregate classification (germline): Uncertain significance. Review status: criteria provided, multiple submitters, no conflicts (2 of 4 stars). 8 submissions from 3 submitters: Uncertain significance (8). Last evaluated 2023-06-08.

Conditions:
Weill-Marchesani syndrome. Also called: WM Syndrome; Mesodermal dysmorphodystrophy congenital. Identifiers: Orphanet 3449, MedGen C0265313, MONDO:0018096.
Acromicric dysplasia (ACMICD). Also called: Acromicric skeletal dysplasia. Identifiers: Orphanet 969, MedGen C0265287, MONDO:0007055, OMIM 102370.
Stiff skin syndrome (SSKS). Identifiers: Orphanet 2833, MedGen C1861456, MONDO:0008492, OMIM 184900.
Ectopia lentis 1, isolated, autosomal dominant (ECTOL1). Identifiers: Orphanet 1885, MedGen C3541518, MONDO:0007514, OMIM 129600.
Familial thoracic aortic aneurysm and aortic dissection (TAAD). Also called: Thoracic aortic aneurysms and dissections. Identifiers: Orphanet 91387, MedGen C4707243, MONDO:0019625.
Marfan syndrome (MFS). Also called: Marfan syndrome type 1; Marfan's syndrome; MARFAN SYNDROME, TYPE I; Marfan syndrome, classic; FBN1-Related Marfan Syndrome. Identifiers: Orphanet 284963, Orphanet 558, MedGen C0024796, MONDO:0007947, OMIM 154700.

Allele frequency attached by ClinVar (database versions not stated): gnomAD exomes below 0.00001.
gnomAD v4.1: 1 of 1,614,154 alleles (0.000062%); highest among the groups gnomAD compares: Non-Finnish European, 0.000085%; no homozygotes.

Submissions (8):

All of Us Research Program, National Institutes of Health
Classification: Uncertain significance for Marfan syndrome. Last evaluated: 2023-06-08. Review status: criteria provided, single submitter. Criteria: ACMG Guidelines, 2015. Collection method: clinical testing. Allele origin: germline. Inheritance: Autosomal dominant inheritance. Observed: 1 variant allele, 1 heterozygote.
Comment: This missense variant replaces glycine with arginine at codon 197 of the FBN1 protein. Computational prediction tool suggests that this variant may have deleterious impact on protein structure and function (internally defined REVEL score threshold >=0.7, PMID: 27666373). Splice site prediction tools suggest that this variant may not impact RNA splicing. To our knowledge, functional studies have not been performed for this variant. This variant has not been reported in individuals affected with cardiovascular disorders in the literature. This variant has not been identified in the general population by the Genome Aggregation Database (gnomAD). The available evidence is insufficient to determine the role of this variant in disease conclusively. Therefore, this variant is classified as a Variant of Uncertain Significance.

This study involves interpretation of variants in research participants for the purpose of population health screening. Participant phenotype was not available at the time of variant classification. Additional details can be found in publication PMID: 35346344, PMCID: PMC8962531

Color Diagnostics, LLC DBA Color Health
Classification: Uncertain significance for Familial thoracic aortic aneurysm and aortic dissection. Last evaluated: 2023-05-16. Review status: criteria provided, single submitter. Criteria: ACMG Guidelines, 2015. Collection method: clinical testing. Allele origin: germline.
Comment: This missense variant replaces glycine with arginine at codon 197 of the FBN1 protein. Computational prediction suggests that this variant may have deleterious impact on protein structure and function (internally defined REVEL score threshold >= 0.7, PMID: 27666373). To our knowledge, functional studies have not been reported for this variant. This variant has not been reported in individuals affected with FBN1-related disorders in the literature. This variant has not been identified in the general population by the Genome Aggregation Database (gnomAD). The available evidence is insufficient to determine the role of this variant in disease conclusively. Therefore, this variant is classified as a Variant of Uncertain Significance.

Illumina Laboratory Services, Illumina
Classification: Uncertain significance for Familial thoracic aortic aneurysm and aortic dissection. Last evaluated: 2018-01-13. Review status: criteria provided, single submitter. Criteria: ICSL Variant Classification Criteria 13 December 2019. Collection method: clinical testing. Allele origin: germline.

Illumina Laboratory Services, Illumina
Classification: Uncertain significance for Stiff skin syndrome. Last evaluated: 2018-01-13. Review status: criteria provided, single submitter. Criteria: ICSL Variant Classification Criteria 13 December 2019. Collection method: clinical testing. Allele origin: germline.

Illumina Laboratory Services, Illumina
Classification: Uncertain significance for Acromicric dysplasia. Last evaluated: 2018-01-13. Review status: criteria provided, single submitter. Criteria: ICSL Variant Classification Criteria 13 December 2019. Collection method: clinical testing. Allele origin: germline.

Illumina Laboratory Services, Illumina
Classification: Uncertain significance for Weill-Marchesani syndrome. Last evaluated: 2018-01-13. Review status: criteria provided, single submitter. Criteria: ICSL Variant Classification Criteria 13 December 2019. Collection method: clinical testing. Allele origin: germline.

Illumina Laboratory Services, Illumina
Classification: Uncertain significance for Ectopia lentis 1, isolated, autosomal dominant. Last evaluated: 2018-01-13. Review status: criteria provided, single submitter. Criteria: ICSL Variant Classification Criteria 13 December 2019. Collection method: clinical testing. Allele origin: germline.

Illumina Laboratory Services, Illumina
Classification: Uncertain significance for Marfan syndrome. Last evaluated: 2018-01-13. Review status: criteria provided, single submitter. Criteria: ICSL Variant Classification Criteria 13 December 2019. Collection method: clinical testing. Allele origin: germline.

NM_000138.5(FBN1):c.589G>C (p.Gly197Arg)

Gene: FBN1 (fibrillin 1; minus strand). Cytogenetic location: 15q21.1.
Variant type: single nucleotide variant.
Coding change: c.589G>C on transcript NM_000138.5 (MANE Select); coding-DNA position 589, G replaced by C.
Protein change: p.Gly197Arg; replaces glycine 197 with arginine.
Molecular consequence: missense variant.
Genome position (GRCh38, 1-based): chr15:48,537,758, C>G on the plus strand (G>C on the coding strand, the complement: FBN1 is on the minus strand). VCF-style: chr15-48537758-C-G. GRCh37 (hg19) VCF-style: chr15-48829955-C-G.
Other names: short protein forms G197R.
Identifiers: ClinVar variation 316390 (VCV000316390.12), dbSNP rs886051251, ClinGen allele CA10636154.